The following is an entry in ClinVar:

ClinVar aggregate classification (germline): Uncertain significance (1 of 4 stars; one submission).

Conditions:
Erythrocytosis, familial, 4 (ECYT4). Identifiers: Orphanet 247511, MedGen C2673187, MONDO:0012729, OMIM 611783.

Allele frequency attached by ClinVar (database versions not stated): TOPMed below 0.00001; gnomAD 0.00001.
gnomAD v4.1: 13 of 1,614,040 alleles (0.00081%); highest among the groups gnomAD compares: East Asian, 0.011%; no homozygotes.

Submission:

Neuberg Centre For Genomic Medicine, NCGM
Classification: Uncertain significance for Erythrocytosis, familial, 4. Review status: criteria provided, single submitter. Criteria: ACMG Guidelines, 2015. Collection method: clinical testing. Allele origin: germline. Inheritance: Autosomal dominant inheritance. Affected: yes.
Comment: The missense variant c.1635C>G (p.Ile545Met) in EPAS1 gene has not been reported previously as a pathogenic variant nor as a benign variant, to our knowledge. The p.Ile545Met variant is novel (not in any individuals) in 1000 Genomes and allele frequency of 0.0003978% is reported in gnomAD. The amino acid Ile at position 545 is changed to a Met changing protein sequence and it might alter its composition and physico-chemical properties. The variant is predicted to be damaging by both SIFT and PolyPhen2.The residue is conserved across species. The amino acid change p.Ile545Met in EPAS1 is predicted as conserved by GERP++ and PhyloP across 100 vertebrates. For these reasons, this variant has been classified as Uncertain Significance .

NM_001430.5(EPAS1):c.1635C>G (p.Ile545Met)

Gene: EPAS1 (endothelial PAS domain protein 1; plus strand). Cytogenetic location: 2p21.
Variant type: single nucleotide variant.
Coding change: c.1635C>G on transcript NM_001430.5 (MANE Select); coding-DNA position 1635, C replaced by G.
Protein change: p.Ile545Met; replaces isoleucine 545 with methionine.
Molecular consequence: missense variant.
Genome position (GRCh38, 1-based): chr2:46,380,307, C>G. VCF-style: chr2-46380307-C-G. GRCh37 (hg19) VCF-style: chr2-46607446-C-G.
Other names: short protein forms I545M.
Identifiers: ClinVar variation 2585250 (VCV002585250.1), dbSNP rs748771714, ClinGen allele CA346704556.